The following is an entry in ClinVar:

NM_018163.3(DNAJC17):c.632G>C (p.Ser211Thr)

Gene: DNAJC17 (DnaJ heat shock protein family (Hsp40) member C17; minus strand). Cytogenetic location: 15q15.1.
Variant type: single nucleotide variant.
Coding change: c.632G>C on transcript NM_018163.3 (MANE Select); coding-DNA position 632, G replaced by C.
Protein change: p.Ser211Thr; replaces serine 211 with threonine.
Molecular consequence: missense variant.
Genome position (GRCh38, 1-based): chr15:40,774,405, C>G on the plus strand (G>C on the coding strand, the complement: DNAJC17 is on the minus strand). VCF-style: chr15-40774405-C-G. GRCh37 (hg19) VCF-style: chr15-41066603-C-G.
Other names: short protein forms S211T.
Identifiers: ClinVar variation 3608843 (VCV003608843.2).

ClinVar aggregate classification (germline): Uncertain significance (1 of 4 stars; one submission).

Submission:

Labcorp Genetics (formerly Invitae), Labcorp
Classification: Uncertain significance. Last evaluated: 2024-05-13. Review status: criteria provided, single submitter. Criteria: Invitae Variant Classification Sherloc (09022015). Collection method: clinical testing. Allele origin: germline.
Comment: This sequence change replaces serine, which is neutral and polar, with threonine, which is neutral and polar, at codon 211 of the DNAJC17 protein (p.Ser211Thr). This variant is not present in population databases (gnomAD no frequency). This variant has not been reported in the literature in individuals affected with DNAJC17-related conditions. An algorithm developed to predict the effect of missense changes on protein structure and function (PolyPhen-2) suggests that this variant is likely to be tolerated. In summary, the available evidence is currently insufficient to determine the role of this variant in disease. Therefore, it has been classified as a Variant of Uncertain Significance.